The following is an entry in ClinVar:

ClinVar aggregate classification (germline): Uncertain significance (1 of 4 stars; one submission).

Submission:

GeneDx
Classification: Uncertain significance. Last evaluated: 2022-11-14. Review status: criteria provided, single submitter. Criteria: GeneDx Variant Classification Process June 2021. Collection method: clinical testing. Allele origin: germline. Affected: yes.
Comment: Not observed at significant frequency in large population cohorts (gnomAD); In silico analysis supports that this missense variant does not alter protein structure/function; Has not been previously published as pathogenic or benign to our knowledge

NM_004589.4(SCO1):c.649G>T (p.Val217Leu)

Gene: SCO1 (synthesis of cytochrome C oxidase 1; minus strand). Cytogenetic location: 17p13.1.
Variant type: single nucleotide variant.
Coding change: c.649G>T on transcript NM_004589.4 (MANE Select); coding-DNA position 649, G replaced by T.
Protein change: p.Val217Leu; replaces valine 217 with leucine.
Molecular consequence: missense variant.
Genome position (GRCh38, 1-based): chr17:10,691,878, C>A on the plus strand (G>T on the coding strand, the complement: SCO1 is on the minus strand). VCF-style: chr17-10691878-C-A. GRCh37 (hg19) VCF-style: chr17-10595195-C-A.
Other names: short protein forms V217L.
Identifiers: ClinVar variation 2502073 (VCV002502073.1), dbSNP rs1161362765, ClinGen allele CA398130803.